The following is an entry in ClinVar:

NM_000222.3(KIT):c.756+1G>A

Gene: KIT (KIT proto-oncogene, receptor tyrosine kinase; plus strand). Cytogenetic location: 4q12.
Variant type: single nucleotide variant.
Coding change: c.756+1G>A on transcript NM_000222.3 (MANE Select); the canonical splice donor site of the intron after coding-DNA position 756, G replaced by A.
Molecular consequence: splice donor variant.
Genome position (GRCh38, 1-based): chr4:54,699,767, G>A. VCF-style: chr4-54699767-G-A. GRCh37 (hg19) VCF-style: chr4-55565933-G-A.
Other names: c.756+1G>A (NM_001385284.1, NM_001385290.1, NM_001385288.1 and 4 more transcripts).
Identifiers: ClinVar variation 648178 (VCV000648178.9), dbSNP rs1301704156, ClinGen allele CA356898719.
Genomic context (GRCh38, chr4:54,699,767, plus strand): 5'-TGCACAATAAAAGATGTGTCTAGTTCTGTGTACTCAACGTGGAAAAGAGAAAACAGTCAG[G>A]TGAGTGAATCGCTTCATTCTTCTCATGTTCTGTCTCTGTGGGAGATGATAAGTTTTCTCT-3'

ClinVar aggregate classification (germline): Pathogenic (1 of 4 stars; one submission).

Conditions:
Gastrointestinal stromal tumor. Also called: Gastrointestinal stromal tumor, somatic; Gastrointestinal stroma tumor. Identifiers: Orphanet 44890, MedGen C0238198, MeSH D046152, MONDO:0011719, OMIM 606764, HP:0100723.

Allele frequency attached by ClinVar (database versions not stated): gnomAD exomes below 0.00001.
gnomAD v4.1: 2 of 1,613,742 alleles (0.00012%); highest among the groups gnomAD compares: Non-Finnish European, 0.000085%; no homozygotes.

Submission:

Labcorp Genetics (formerly Invitae), Labcorp
Classification: Pathogenic for Gastrointestinal stromal tumor. Last evaluated: 2025-03-25. Review status: criteria provided, single submitter. Criteria: Invitae Variant Classification Sherloc (09022015). Collection method: clinical testing. Allele origin: germline.
Comment: This sequence change affects a donor splice site in intron 4 of the KIT gene. It is expected to disrupt RNA splicing. Variants that disrupt the donor or acceptor splice site typically lead to a loss of protein function (PMID: 16199547), and loss-of-function variants in KIT are known to be pathogenic (PMID: 15194144). This variant is present in population databases (no rsID available, gnomAD 0.01%). Disruption of this splice site has been observed in individuals with clinical features of piebaldism (internal data). ClinVar contains an entry for this variant (Variation ID: 648178). Algorithms developed to predict the effect of sequence changes on RNA splicing suggest that this variant may disrupt the consensus splice site. For these reasons, this variant has been classified as Pathogenic.

Literature cited by the submitters: PubMed 16199547; PubMed 15194144.